The following is an entry in ClinVar:

NM_004285.4(H6PD):c.1555C>T (p.Arg519Trp)

Gene: H6PD (hexose-6-phosphate dehydrogenase/glucose 1-dehydrogenase; plus strand). Cytogenetic location: 1p36.22.
Variant type: single nucleotide variant.
Coding change: c.1555C>T on transcript NM_004285.4 (MANE Select); coding-DNA position 1555, C replaced by T.
Protein change: p.Arg519Trp; replaces arginine 519 with tryptophan.
Molecular consequence: missense variant.
Genome position (GRCh38, 1-based): chr1:9,264,048, C>T. VCF-style: chr1-9264048-C-T. GRCh37 (hg19) VCF-style: chr1-9324107-C-T.
Other names: c.1588C>T, p.Arg530Trp (NM_001282587.2); short protein forms R530W, R519W.
Identifiers: ClinVar variation 2703952 (VCV002703952.3), dbSNP rs35863691, ClinGen allele CA575339.

ClinVar aggregate classification (germline): Uncertain significance (1 of 4 stars; one submission).

Allele frequency attached by ClinVar (database versions not stated): gnomAD exomes 0.00002; ExAC 0.00003; gnomAD 0.00010; TOPMed 0.00010; ESP Exome Variant Server 0.00015; 1000 Genomes Project 30x 0.00016; 1000 Genomes Project 0.00020.
gnomAD v4.1: 47 of 1,614,186 alleles (0.0029%); highest among the groups gnomAD compares: African/African-American, 0.028%; no homozygotes.

Submission:

Labcorp Genetics (formerly Invitae), Labcorp
Classification: Uncertain significance. Last evaluated: 2024-03-20. Review status: criteria provided, single submitter. Criteria: Invitae Variant Classification Sherloc (09022015). Collection method: clinical testing. Allele origin: germline.
Comment: This sequence change replaces arginine, which is basic and polar, with tryptophan, which is neutral and slightly polar, at codon 519 of the H6PD protein (p.Arg519Trp). This variant is present in population databases (rs35863691, gnomAD 0.03%). This variant has not been reported in the literature in individuals affected with H6PD-related conditions. Advanced modeling of protein sequence and biophysical properties (such as structural, functional, and spatial information, amino acid conservation, physicochemical variation, residue mobility, and thermodynamic stability) performed at Invitae indicates that this missense variant is not expected to disrupt H6PD protein function with a negative predictive value of 80%. In summary, the available evidence is currently insufficient to determine the role of this variant in disease. Therefore, it has been classified as a Variant of Uncertain Significance.